The following is an entry in ClinVar:

ClinVar aggregate classification (germline): Uncertain significance (1 of 4 stars; one submission).

Conditions:
Muscular dystrophy-dystroglycanopathy (congenital with brain and eye anomalies), type a, 8 (MDDGA8). Also called: WALKER-WARBURG SYNDROME OR MUSCLE-EYE-BRAIN DISEASE, GTDC2-RELATED. Identifiers: Orphanet 899, MedGen C3553813, MONDO:0013904, OMIM 614830.

gnomAD v4.1: 2 of 1,613,772 alleles (0.00012%); highest among the groups gnomAD compares: Non-Finnish European, 0.00017%; no homozygotes.

Submission:

Labcorp Genetics (formerly Invitae), Labcorp
Classification: Uncertain significance for Muscular dystrophy-dystroglycanopathy (congenital with brain and eye anomalies), type a, 8. Last evaluated: 2020-02-27. Review status: criteria provided, single submitter. Criteria: Invitae Variant Classification Sherloc (09022015). Collection method: clinical testing. Allele origin: germline.
Comment: In summary, the available evidence is currently insufficient to determine the role of this variant in disease. Therefore, it has been classified as a Variant of Uncertain Significance. Algorithms developed to predict the effect of missense changes on protein structure and function are either unavailable or do not agree on the potential impact of this missense change (SIFT: "Deleterious"; PolyPhen-2: "Possibly Damaging"; Align-GVGD: "Class C15"). This variant has not been reported in the literature in individuals with POMGNT2-related conditions. This variant is not present in population databases (ExAC no frequency). This sequence change replaces glutamine with histidine at codon 58 of the POMGNT2 protein (p.Gln58His). The glutamine residue is highly conserved and there is a small physicochemical difference between glutamine and histidine.

NM_032806.6(POMGNT2):c.174G>C (p.Gln58His)

Gene: POMGNT2 (protein O-linked mannose N-acetylglucosaminyltransferase 2 (beta 1,4-); minus strand). Cytogenetic location: 3p22.1.
Variant type: single nucleotide variant.
Coding change: c.174G>C on transcript NM_032806.6 (MANE Select); coding-DNA position 174, G replaced by C.
Protein change: p.Gln58His; replaces glutamine 58 with histidine.
Molecular consequence: missense variant.
Genome position (GRCh38, 1-based): chr3:43,081,258, C>G on the plus strand (G>C on the coding strand, the complement: POMGNT2 is on the minus strand). VCF-style: chr3-43081258-C-G. GRCh37 (hg19) VCF-style: chr3-43122750-C-G.
Other names: short protein forms Q58H.
Identifiers: ClinVar variation 1017586 (VCV001017586.5), dbSNP rs2089852658, ClinGen allele CA352303791.